The following is an entry in ClinVar:

ClinVar aggregate classification (germline): Uncertain significance (1 of 4 stars; one submission).

Conditions:
Hereditary breast ovarian cancer syndrome. Also called: Hereditary breast and ovarian cancer syndrome (HBOC); Hereditary breast and ovarian cancer; Breast and ovarian cancer; Hereditary breast and/or ovarian cancer syndrome; BRCA1- and BRCA2-Associated Hereditary Breast and Ovarian Cancer; Hereditary breast and ovarian cancer syndrome. Identifiers: Orphanet 145, MedGen C0677776, MeSH D061325, MONDO:0003582. Disease mechanism: loss of function.

Submission:

Labcorp Genetics (formerly Invitae), Labcorp
Classification: Uncertain significance for Hereditary breast ovarian cancer syndrome. Last evaluated: 2025-12-17. Review status: criteria provided, single submitter. Criteria: Invitae Variant Classification Sherloc (09022015). Collection method: clinical testing. Allele origin: germline.
Comment: This sequence change replaces threonine, which is neutral and polar, with serine, which is neutral and polar, at codon 2331 of the BRCA2 protein (p.Thr2331Ser). This variant is not present in population databases (gnomAD no frequency). This variant has not been reported in the literature in individuals affected with BRCA2-related conditions. Invitae Evidence Modeling of protein sequence and biophysical properties (such as structural, functional, and spatial information, amino acid conservation, physicochemical variation, residue mobility, and thermodynamic stability) indicates that this missense variant is not expected to disrupt BRCA2 protein function with a negative predictive value of 95%. In summary, the available evidence is currently insufficient to determine the role of this variant in disease. Therefore, it has been classified as a Variant of Uncertain Significance.

NM_000059.4(BRCA2):c.6991A>T (p.Thr2331Ser)

Gene: BRCA2 (BRCA2 DNA repair associated; plus strand). Cytogenetic location: 13q13.1.
Variant type: single nucleotide variant.
Coding change: c.6991A>T on transcript NM_000059.4 (MANE Select); coding-DNA position 6991, A replaced by T.
Protein change: p.Thr2331Ser; replaces threonine 2331 with serine.
Molecular consequence: missense variant. On other transcripts: non-coding transcript variant (1).
Genome position (GRCh38, 1-based): chr13:32,346,880, A>T. VCF-style: chr13-32346880-A-T. GRCh37 (hg19) VCF-style: chr13-32921017-A-T.
Other names: c.6895A>T, p.Thr2299Ser (NM_001406719.1); c.6991A>T, p.Thr2331Ser (NM_001406720.1, NM_001432077.1); c.2059A>T, p.Thr687Ser (NM_001406721.1); c.574A>T, p.Thr192Ser (NM_001406722.1); short protein forms T192S, T2299S, T2331S, T687S.
Identifiers: ClinVar variation 4802333 (VCV004802333.1).